The following is an entry in ClinVar:

NC_000001.10:g.(?_19199339)_(22987879_?)dup

Genes: AKR7A2 (aldo-keto reductase family 7 member A2; minus strand), AKR7A3 (aldo-keto reductase family 7 member A3; minus strand), AKR7L (aldo-keto reductase family 7 like (gene/pseudogene); minus strand), ALDH4A1 (aldehyde dehydrogenase 4 family member A1; minus strand), ALPL (alkaline phosphatase, biomineralization associated; plus strand) and 46 more. Cytogenetic location: 1p36.13-36.12.
Variant type: Duplication.
Identifiers: ClinVar variation 2424757 (VCV002424757.5).

ClinVar aggregate classification (germline): Uncertain significance. Review status: criteria provided, single submitter (1 of 4 stars). 3 submissions from 1 submitter: Uncertain significance (3). Last evaluated 2022-07-29.

Conditions:
Congenital disorder of glycosylation type Ir (CDG1R). Also called: DDOST-congenital disorder of glycosylation. Identifiers: Orphanet 300536, MedGen C3281084, MONDO:0013789, OMIM 614507.
Autosomal recessive early-onset Parkinson disease 6 (PARK6). Also called: PARKINSON DISEASE 6, EARLY-ONSET; PINK1-Related Parkinson Disease; PARKINSON DISEASE 6, MODIFIER OF; PINK1 Type of Young-Onset Parkinson Disease. Identifiers: Orphanet 2828, MedGen C1853833, MONDO:0011613, OMIM 605909.
Hyperprolinemia type 2 (HYRPRO2). Also called: Deficiency of pyrroline-5-carboxylate reductase; 1-PYRROLINE-5-CARBOXYLATE DEHYDROGENASE DEFICIENCY; Delta-1-pyrroline-5-carboxylate dehydrogenase deficiency. Identifiers: Orphanet 79101, MedGen C2931835, MONDO:0009401, OMIM 239510.

Submissions (3):

Labcorp Genetics (formerly Invitae), Labcorp
Classification: Uncertain significance for Hyperprolinemia type 2. Last evaluated: 2022-07-29. Review status: criteria provided, single submitter. Criteria: Invitae Variant Classification Sherloc (09022015). Collection method: clinical testing. Allele origin: germline.
Comment: A copy number gain of the genomic region encompassing the full coding sequence of the ALDH4A1 gene has been identified. The boundaries of this event are unknown as they extend beyond the assayed region for this gene and therefore may encompass additional genes. As the precise location of this event is unknown, it may be in tandem or it may be located elsewhere in the genome. This variant has not been reported in the literature in individuals affected with ALDH4A1-related conditions. In summary, the available evidence is currently insufficient to determine the role of this variant in disease. Therefore, it has been classified as a Variant of Uncertain Significance.

Labcorp Genetics (formerly Invitae), Labcorp
Classification: Uncertain significance for Congenital disorder of glycosylation type Ir. Last evaluated: 2022-07-29. Review status: criteria provided, single submitter. Criteria: Invitae Variant Classification Sherloc (09022015). Collection method: clinical testing. Allele origin: germline.
Comment: In summary, the available evidence is currently insufficient to determine the role of this variant in disease. Therefore, it has been classified as a Variant of Uncertain Significance. This variant has not been reported in the literature in individuals affected with DDOST-related conditions. A copy number gain of the genomic region encompassing the full coding sequence of the DDOST gene has been identified. The boundaries of this event are unknown as they extend beyond the assayed region for this gene and therefore may encompass additional genes. As the precise location of this event is unknown, it may be in tandem or it may be located elsewhere in the genome.

Labcorp Genetics (formerly Invitae), Labcorp
Classification: Uncertain significance for Autosomal recessive early-onset Parkinson disease 6. Last evaluated: 2022-07-29. Review status: criteria provided, single submitter. Criteria: Invitae Variant Classification Sherloc (09022015). Collection method: clinical testing. Allele origin: germline.
Comment: This variant has not been reported in the literature in individuals affected with PINK1-related conditions. In summary, the available evidence is currently insufficient to determine the role of this variant in disease. Therefore, it has been classified as a Variant of Uncertain Significance. A copy number gain of the genomic region encompassing the full coding sequence of the PINK1 gene has been identified. The boundaries of this event are unknown as they extend beyond the assayed region for this gene and therefore may encompass additional genes. As the precise location of this event is unknown, it may be in tandem or it may be located elsewhere in the genome.